The following is an entry in ClinVar:

ClinVar aggregate classification (germline): Likely pathogenic (1 of 4 stars; one submission).

Conditions:
Ataxia-telangiectasia syndrome (AT). Also called: Cerebello-oculocutaneous telangiectasia; Immunodeficiency with ataxia telangiectasia; AT, COMPLEMENTATION GROUP C; ATAXIA-TELANGIECTASIA, COMPLEMENTATION GROUP A; ATAXIA-TELANGIECTASIA, FRESNO VARIANT; LOUIS-BAR SYNDROME. Identifiers: Orphanet 100, MedGen C0004135, MONDO:0008840, OMIM 208900.

Submission:

Labcorp Genetics (formerly Invitae), Labcorp
Classification: Likely pathogenic for Ataxia-telangiectasia syndrome. Last evaluated: 2025-07-30. Review status: criteria provided, single submitter. Criteria: Invitae Variant Classification Sherloc (09022015). Collection method: clinical testing. Allele origin: germline.
Comment: This sequence change affects a splice site in intron 35 of the ATM gene. It is expected to disrupt RNA splicing. Variants that disrupt the donor or acceptor splice site typically lead to a loss of protein function (PMID: 16199547), and loss-of-function variants in ATM are known to be pathogenic (PMID: 23807571, 25614872). This variant is not present in population databases (gnomAD no frequency). This variant has not been reported in the literature in individuals affected with ATM-related conditions. ClinVar contains an entry for this variant (Variation ID: 1506698). Algorithms developed to predict the effect of sequence changes on RNA splicing suggest that this variant may disrupt the consensus splice site. In summary, the currently available evidence indicates that the variant is pathogenic, but additional data are needed to prove that conclusively. Therefore, this variant has been classified as Likely Pathogenic.

Literature cited by the submitters: PubMed 16199547; PubMed 23807571; PubMed 25614872.

NM_000051.4(ATM):c.5319+1del

Gene: ATM (ATM serine/threonine kinase; plus strand). Cytogenetic location: 11q22.3.
Variant type: Deletion.
Coding change: c.5319+1del on transcript NM_000051.4 (MANE Select); the canonical splice donor site of the intron after coding-DNA position 5319, one base deleted (G; older notation c.5319+1delG).
Molecular consequence: splice donor variant.
Genome position (GRCh38, 1-based): chr11:108,301,790, G deleted; the last of 2 consecutive G bases (chr11:108,301,789-108,301,790); deleting either gives the same sequence. VCF-style (leftmost placement, unchanged base first): chr11-108301788-AG-A. GRCh37 (hg19) VCF-style: chr11-108172515-AG-A.
Other names: c.5319+1del (NM_001351834.2).
Identifiers: ClinVar variation 1506698 (VCV001506698.8), dbSNP rs2135916021, ClinGen allele CA2573146572.